The following is an entry in ClinVar:

NM_052844.4(DYNC2I2):c.140C>G (p.Ser47Cys)

Gene: DYNC2I2 (dynein 2 intermediate chain 2; minus strand). Cytogenetic location: 9q34.11.
Variant type: single nucleotide variant.
Coding change: c.140C>G on transcript NM_052844.4 (MANE Select); coding-DNA position 140, C replaced by G.
Protein change: p.Ser47Cys; replaces serine 47 with cysteine.
Molecular consequence: missense variant.
Genome position (GRCh38, 1-based): chr9:128,656,587, G>C on the plus strand (C>G on the coding strand, the complement: DYNC2I2 is on the minus strand). VCF-style: chr9-128656587-G-C. GRCh37 (hg19) VCF-style: chr9-131418866-G-C.
Other names: short protein forms S47C.
Identifiers: ClinVar variation 972006 (VCV000972006.3), dbSNP rs1860830386, ClinGen allele CA375050852.

ClinVar aggregate classification (germline): Uncertain significance (1 of 4 stars; one submission).

Conditions:
Short-rib thoracic dysplasia 11 with or without polydactyly (SRTD11). Also called: SHORT-RIB THORACIC DYSPLASIA 11 WITHOUT POLYDACTYLY. Identifiers: Orphanet 474, Orphanet 93271, MedGen C3810200, MONDO:0014287, OMIM 615633.

Allele frequency attached by ClinVar (database versions not stated): TOPMed below 0.00001.
gnomAD v4.1: 1 of 1,485,568 alleles (0.000067%); highest among the groups gnomAD compares: Non-Finnish European, 0.000089%; no homozygotes.

Submission:

Labcorp Genetics (formerly Invitae), Labcorp
Classification: Uncertain significance for Short-rib thoracic dysplasia 11 with or without polydactyly. Last evaluated: 2019-06-15. Review status: criteria provided, single submitter. Criteria: Invitae Variant Classification Sherloc (09022015). Collection method: clinical testing. Allele origin: germline.
Comment: This sequence change replaces serine with cysteine at codon 47 of the WDR34 protein (p.Ser47Cys). The serine residue is weakly conserved and there is a moderate physicochemical difference between serine and cysteine. The frequency data for this variant in the population databases is considered unreliable, as metrics indicate insufficient coverage at this position in the ExAC database. This variant has not been reported in the literature in individuals with WDR34-related conditions. Algorithms developed to predict the effect of missense changes on protein structure and function are either unavailable or do not agree on the potential impact of this missense change (SIFT: "Deleterious"; PolyPhen-2: "Possibly Damaging"; Align-GVGD: "Class C0"). In summary, the available evidence is currently insufficient to determine the role of this variant in disease. Therefore, it has been classified as a Variant of Uncertain Significance.